The following is an entry in ClinVar:

NM_007294.4(BRCA1):c.186T>A (p.Pro62=)

Gene: BRCA1 (BRCA1 DNA repair associated; minus strand). Cytogenetic location: 17q21.31.
Variant type: single nucleotide variant.
Coding change: c.186T>A on transcript NM_007294.4 (MANE Select); coding-DNA position 186, T replaced by A.
Protein change: p.Pro62=; no amino-acid change (proline 62 retained).
Molecular consequence: synonymous variant. On other transcripts: 5 prime UTR variant (61), intron variant (34).
Genome position (GRCh38, 1-based): chr17:43,106,482, A>T on the plus strand (T>A on the coding strand, the complement: BRCA1 is on the minus strand). VCF-style: chr17-43106482-A-T. GRCh37 (hg19) VCF-style: chr17-41258499-A-T.
Other names: c.-3T>A (NM_001407571.1, NM_001407853.1, NM_001407879.1 and 58 more transcripts); c.186T>A, p.Pro62= (NM_001407581.1, NM_001407582.1, NM_001407583.1 and 168 more transcripts); c.45T>A, p.Pro15= (NM_001407692.1, NM_001407694.1, NM_001407695.1 and 99 more transcripts); c.-218-11622T>A (NM_001407967.1, NM_001407966.1); c.-169-1526T>A (NM_001407959.1, NM_001407962.1, NM_001408512.1 and 4 more transcripts); c.81-1526T>A (NM_001408451.1); c.135-1526T>A (NM_001408475.1, NM_001407875.1, NM_001407659.1 and 21 more transcripts).
Identifiers: ClinVar variation 865234 (VCV000865234.3), dbSNP rs2054778965, ClinGen allele CA500128126.

Conditions:
Breast-ovarian cancer, familial, susceptibility to, 1 (BROVCA1). Also called: BRCA1 Hereditary Breast and Ovarian Cancer; OVARIAN CANCER, SUSCEPTIBILITY TO. Identifiers: Orphanet 145, MedGen C2676676, MONDO:0011450, OMIM 604370. Disease mechanism: loss of function.

Submission:

Brotman Baty Institute, University of Washington
No classification provided (evidence only). Condition: Breast-ovarian cancer, familial 1. Review status: no classification provided. Collection method: in vitro. Allele origin: not applicable. Functional consequence: functionally_normal.
ClinVar note: "not provided" was previously submitted as the classification for the variant. However, the classification appeared to be based only on an observation of functional data so it was converted to no classification on 2025-07-30.